The following is an entry in ClinVar:

Conditions:
Breast-ovarian cancer, familial, susceptibility to, 1 (BROVCA1). Also called: BRCA1 Hereditary Breast and Ovarian Cancer; OVARIAN CANCER, SUSCEPTIBILITY TO. Identifiers: Orphanet 145, MedGen C2676676, MONDO:0011450, OMIM 604370. Disease mechanism: loss of function.

Submission:

Brotman Baty Institute, University of Washington
No classification provided (evidence only). Condition: Breast-ovarian cancer, familial 1. Review status: no classification provided. Collection method: in vitro. Allele origin: not applicable. Functional consequence: functionally_normal.
ClinVar note: "not provided" was previously submitted as the classification for the variant. However, the classification appeared to be based only on an observation of functional data so it was converted to no classification on 2025-07-30.

NM_007294.4(BRCA1):c.7T>A (p.Leu3Ile)

Gene: BRCA1 (BRCA1 DNA repair associated; minus strand). Cytogenetic location: 17q21.31.
Variant type: single nucleotide variant.
Coding change: c.7T>A on transcript NM_007294.4 (MANE Select); coding-DNA position 7, T replaced by A.
Protein change: p.Leu3Ile; replaces leucine 3 with isoleucine.
Molecular consequence: missense variant. On other transcripts: 5 prime UTR variant (1), non-coding transcript variant (1).
Genome position (GRCh38, 1-based): chr17:43,124,090, A>T on the plus strand (T>A on the coding strand, the complement: BRCA1 is on the minus strand). VCF-style: chr17-43124090-A-T. GRCh37 (hg19) VCF-style: chr17-41276107-A-T.
Other names: c.-182T>A (NM_001407571.1, NM_001407853.1, NM_001407879.1 and 46 more transcripts); c.7T>A, p.Leu3Ile (NM_001407581.1, NM_001407582.1, NM_001407583.1 and 193 more transcripts); c.-254T>A (NM_001407730.1, NM_001407734.1, NM_001407739.1 and 22 more transcripts); c.-251T>A (NM_001407731.1, NM_001407733.1, NM_001407749.1 and 11 more transcripts); c.-81T>A (NM_001407732.1, NM_001407736.1, NM_001407738.1 and 23 more transcripts); c.-258T>A (NM_001407741.1, NM_001407934.1, NM_001408497.1); c.-200T>A (NM_001407751.1, NM_001407726.1); c.-131T>A (NM_001407841.1); and 8 more; short protein forms L3I.
Identifiers: ClinVar variation 869062 (VCV000869062.3), dbSNP rs2055745032, ClinGen allele CA10602144.